The following is an entry in ClinVar:

NM_001130987.2(DYSF):c.5174+14G>A

Gene: DYSF (dysferlin; plus strand). Cytogenetic location: 2p13.2.
Variant type: single nucleotide variant.
Coding change: c.5174+14G>A on transcript NM_001130987.2 (MANE Select); 14 bases into the intron after coding-DNA position 5174, G replaced by A.
Molecular consequence: intron variant.
Genome position (GRCh38, 1-based): chr2:71,664,452, G>A. VCF-style: chr2-71664452-G-A. GRCh37 (hg19) VCF-style: chr2-71891582-G-A.
Other names: c.5150+14G>A (NM_001130979.2); c.5171+14G>A (NM_001130981.2); c.5108+14G>A (NM_001130980.2); c.5120+14G>A (NM_001130978.2); c.5057+14G>A (NM_003494.4); c.5078+14G>A (NM_001130977.2); c.5015+14G>A (NM_001130976.2); c.5153+14G>A (NM_001130982.2); and 5 more.
Identifiers: ClinVar variation 2760718 (VCV002760718.4), dbSNP rs531408610, ClinGen allele CA1707270.

ClinVar aggregate classification (germline): Conflicting classifications of pathogenicity. Review status: criteria provided, conflicting classifications (1 of 4 stars). 2 submissions from 2 submitters: Uncertain significance (1); Likely benign (1). Last evaluated 2025-11-16.

Conditions:
Neuromuscular disease caused by qualitative or quantitative defects of dysferlin. Also called: Dysferlinopathy; Qualitative or quantitative defects of dysferlin. Identifiers: Orphanet 207073, MedGen C2931687, MONDO:0016145.
Miyoshi muscular dystrophy 1 (MMD1). Identifiers: Orphanet 45448, MedGen C4551973, MONDO:0024545, OMIM 254130.

Allele frequency attached by ClinVar (database versions not stated): gnomAD exomes 0.00001; ExAC 0.00002; gnomAD 0.00003; TOPMed 0.00004; 1000 Genomes Project 30x 0.00016; 1000 Genomes Project 0.00020.
gnomAD v4.1: 14 of 1,613,806 alleles (0.00087%); highest among the groups gnomAD compares: East Asian, 0.029%; no homozygotes.

Submissions (2):

Labcorp Genetics (formerly Invitae), Labcorp
Classification: Likely benign for Neuromuscular disease caused by qualitative or quantitative defects of dysferlin. Last evaluated: 2025-11-16. Review status: criteria provided, single submitter. Criteria: Invitae Variant Classification Sherloc (09022015). Collection method: clinical testing. Allele origin: germline.

3billion
Classification: Uncertain significance for Miyoshi muscular dystrophy 1. Last evaluated: 2024-02-23. Review status: criteria provided, single submitter. Criteria: ACMG Guidelines, 2015. Collection method: clinical testing. Allele origin: germline. Affected: yes.
Comment: The variant is observed at an extremely low frequency in the gnomAD v2.1.1 dataset (total allele frequency: 0.003%). Predicted Consequence/Location: Intron variant In silico tools predict the variant to alter splicing and produce an abnormal transcript [SpliceAI: 0.24 (>=0.2, moderate evidence for spliceogenicity)]. Therefore, this variant is classified as VUS according to the recommendation of ACMG/AMP guideline.